The following is an entry in ClinVar:

ClinVar aggregate classification (germline): Likely benign. Review status: criteria provided, multiple submitters, no conflicts (2 of 4 stars). 2 submissions from 2 submitters: Likely benign (2). Last evaluated 2024-11-23.

Conditions:
Hereditary diffuse gastric adenocarcinoma (HDGC). Also called: DIFFUSE GASTRIC AND LOBULAR BREAST CANCER SYNDROME. Identifiers: Orphanet 26106, MedGen C1708349, MONDO:0007648, OMIM 137215.

Submissions (2):

Labcorp Genetics (formerly Invitae), Labcorp
Classification: Likely benign for Hereditary diffuse gastric adenocarcinoma. Last evaluated: 2024-11-23. Review status: criteria provided, single submitter. Criteria: Invitae Variant Classification Sherloc (09022015). Collection method: clinical testing. Allele origin: germline.

Myriad Genetics, Inc.
Classification: Likely benign for Hereditary diffuse gastric adenocarcinoma. Last evaluated: 2024-09-18. Review status: criteria provided, single submitter. Criteria: Myriad Autosomal Dominant, Autosomal Recessive and X-Linked Classification Criteria (2023). Collection method: clinical testing. Allele origin: unknown.
Comment: This variant is considered likely benign. This variant is intronic and is not expected to impact mRNA splicing.

NM_004360.5(CDH1):c.1320+9G>C

Gene: CDH1 (cadherin 1; plus strand). Cytogenetic location: 16q22.1.
Variant type: single nucleotide variant.
Coding change: c.1320+9G>C on transcript NM_004360.5 (MANE Select); 9 bases into the intron after coding-DNA position 1320, G replaced by C.
Molecular consequence: intron variant. On other transcripts: 5 prime UTR variant (1).
Genome position (GRCh38, 1-based): chr16:68,813,504, G>C. VCF-style: chr16-68813504-G-C. GRCh37 (hg19) VCF-style: chr16-68847407-G-C.
Other names: c.1320+9G>C (LRG_301t1); c.-287G>C (NM_001317185.2); c.-500+9G>C (NM_001317186.2); c.1137+1241G>C (NM_001317184.2).
Identifiers: ClinVar variation 463710 (VCV000463710.12), dbSNP rs1276697924, ClinGen allele CA396462009.